The following is an entry in ClinVar:

NM_007078.3(LDB3):c.690-4476C>T

Genes: LDB3 (LIM domain binding 3; plus strand), LOC110121486 (VISTA enhancer hs2143; plus strand). Cytogenetic location: 10q23.2.
Variant type: single nucleotide variant.
Coding change: c.690-4476C>T on transcript NM_007078.3 (MANE Select); 4476 bases into the intron before coding-DNA position 690, C replaced by T.
Molecular consequence: intron variant.
Genome position (GRCh38, 1-based): chr10:86,687,420, C>T. VCF-style: chr10-86687420-C-T. GRCh37 (hg19) VCF-style: chr10-88447177-C-T.
Other names: c.690-4476C>T (NM_001368064.1, NM_001368063.1, NM_001368065.1 and 1 more transcripts); c.548+148C>T (NM_001368068.1, NM_001368066.1, NM_001080114.2 and 2 more transcripts); c.893+148C>T (NM_001171610.2, NM_001171611.2).
Identifiers: ClinVar variation 675552 (VCV000675552.1), dbSNP rs78200082, ClinGen allele CA211181637.
Genomic context (GRCh38, chr10:86,687,420, plus strand): 5'-CCCTCACGTTGGACCTCCTGGAGGCATGGCCCTTGGAGGGGAGCCAGCCTTCACCAGGGC[C>T]TTCTGGAACGTGGGTATCCTCTCTTCAGACCCTCTCCATGGTCAGCTTTAGGAGAAGGGT-3'

ClinVar aggregate classification (germline): Benign (1 of 4 stars; one submission).

Allele frequency attached by ClinVar (database versions not stated): gnomAD 0.05200 and 0.05015; gnomAD exomes 0.03509; 1000 Genomes Project 0.04333; 1000 Genomes Project 30x 0.04341; TOPMed 0.05165.
gnomAD v4.1: 29,620 of 772,290 alleles (3.8%); highest among the groups gnomAD compares: African/African-American, 8.9%; 750 homozygotes.

Submission:

GeneDx
Classification: Benign. Last evaluated: 2018-06-19. Review status: criteria provided, single submitter. Criteria: GeneDx Variant Classification (06012015). Collection method: clinical testing. Allele origin: germline. Affected: yes.
Comment: This variant is considered likely benign or benign based on one or more of the following criteria: it is a conservative change, it occurs at a poorly conserved position in the protein, it is predicted to be benign by multiple in silico algorithms, and/or has population frequency not consistent with disease.